The following is an entry in ClinVar:

ClinVar aggregate classification (germline): Uncertain significance (1 of 4 stars; one submission).

Submission:

Ambry Genetics
Classification: Uncertain significance. Last evaluated: 2026-06-14. Review status: criteria provided, single submitter. Criteria: Ambry Variant Classification Scheme 2023. Collection method: clinical testing. Allele origin: germline.
Comment: The p.G9C variant (also known as c.25G>T), located in coding exon 1 of the CDK12 gene, results from a G to T substitution at nucleotide position 25. The glycine at codon 9 is replaced by cysteine, an amino acid with highly dissimilar properties. This amino acid position is conserved. In addition, this alteration is predicted to be tolerated by in silico analysis. Based on the available evidence, the clinical significance of this variant remains unclear.

NM_016507.4(CDK12):c.25G>T (p.Gly9Cys)

Genes: CDK12 (cyclin dependent kinase 12; plus strand), LOC126862553 (CDK7 strongly-dependent group 2 enhancer GRCh37_chr17:37618166-37619365; plus strand). Cytogenetic location: 17q12.
Variant type: single nucleotide variant.
Coding change: c.25G>T on transcript NM_016507.4 (MANE Select); coding-DNA position 25, G replaced by T.
Protein change: p.Gly9Cys; replaces glycine 9 with cysteine.
Molecular consequence: missense variant.
Genome position (GRCh38, 1-based): chr17:39,462,096, G>T. VCF-style: chr17-39462096-G-T. GRCh37 (hg19) VCF-style: chr17-37618349-G-T.
Other names: c.25G>T, p.Gly9Cys (NM_015083.4); short protein forms G9C.
Identifiers: ClinVar variation 4868590 (VCV004868590.1).